The following is an entry in ClinVar:

NM_000363.5(TNNI3):c.582C>G (p.Asn194Lys)

Gene: TNNI3 (troponin I3, cardiac type; minus strand). Cytogenetic location: 19q13.42.
Variant type: single nucleotide variant.
Coding change: c.582C>G on transcript NM_000363.5 (MANE Select); coding-DNA position 582, C replaced by G.
Protein change: p.Asn194Lys; replaces asparagine 194 with lysine.
Molecular consequence: missense variant.
Genome position (GRCh38, 1-based): chr19:55,151,885, G>C on the plus strand (C>G on the coding strand, the complement: TNNI3 is on the minus strand). VCF-style: chr19-55151885-G-C. GRCh37 (hg19) VCF-style: chr19-55663253-G-C.
Other names: p.N194K:AAC>AAG; c.582C>G (LRG_432t1); short protein forms N194K.
Identifiers: ClinVar variation 181602 (VCV000181602.2), dbSNP rs730881090, ClinGen allele CA022000.

ClinVar aggregate classification (germline): Likely pathogenic (1 of 4 stars; one submission).

Submission:

GeneDx
Classification: Likely pathogenic. Last evaluated: 2017-06-23. Review status: criteria provided, single submitter. Criteria: GeneDx Variant Classification (06012015). Collection method: clinical testing. Allele origin: germline. Affected: yes.
Comment: The Asn194Lys variant in the TNNI3 gene has not been reported previously as pathogenic or as a benign polymorphism, to our knowledge. Asn194Lys results in a semi-conservative amino acid substitution of a neutral, polar Asparagine residue with a positively charged Lysine residue at a position that is conserved across species throughout evolution. In silico analysis predicts this change to be damaging to the structure/function of the protein and likely pathogenic. In addition, variants at surrounding residues (Arg192His, Arg192Cys, Ile195Met) have been reported in association with cardiomyopathy, further supporting the functional importance of this region of the protein. Furthermore, Asn194Lys was not detected in multiple control alleles of Caucasian ethnic backgrounds tested at GeneDx, indicating it is not a common benign polymorphism in this population. Based on currently available evidence, N194K is a strong candidate for a pathogenic variant. However, the possibility it is a rare benign variant cannot be excluded